The following is an entry in ClinVar:

NM_206926.2(SELENON):c.750C>T (p.Phe250=)

Gene: SELENON (selenoprotein N; plus strand). Cytogenetic location: 1p36.11.
Variant type: single nucleotide variant.
Coding change: c.750C>T on transcript NM_206926.2 (MANE Select); coding-DNA position 750, C replaced by T.
Protein change: p.Phe250=; no amino-acid change (phenylalanine 250 retained).
Molecular consequence: synonymous variant.
Genome position (GRCh38, 1-based): chr1:25,809,130, C>T. VCF-style: chr1-25809130-C-T. GRCh37 (hg19) VCF-style: chr1-26135621-C-T.
Other names: c.852C>T, p.Phe284= (NM_020451.3).
Identifiers: ClinVar variation 461635 (VCV000461635.38), dbSNP rs187880136, ClinGen allele CA696652.

ClinVar aggregate classification (germline): Benign/Likely benign. Review status: criteria provided, multiple submitters, no conflicts (2 of 4 stars). 5 submissions from 5 submitters: Benign (1); Likely benign (3). 1 of the submissions does not count toward it. Last evaluated 2026-01-21.

Conditions:
SELENON-related disorder. Also called: SELENON-related condition.
Eichsfeld type congenital muscular dystrophy (CMYO3). Also called: Rigid spine muscular dystrophy 1; MYOPATHY, SEPN1-RELATED; SELENON-related myopathy; Congenital myopathy 3 with rigid spine. Identifiers: MedGen C0410180, MONDO:0100100, OMIM 602771.

Allele frequency attached by ClinVar (database versions not stated): gnomAD exomes 0.00011 and 0.00033; ExAC 0.00052; 1000 Genomes Project 0.00120; 1000 Genomes Project 30x 0.00125; TOPMed 0.00125; gnomAD 0.00132 and 0.00141; ESP Exome Variant Server 0.00209.
gnomAD v4.1: 364 of 1,613,792 alleles (0.023%); highest among the groups gnomAD compares: African/African-American, 0.44%; 2 homozygotes.

Submissions (5):

Labcorp Genetics (formerly Invitae), Labcorp
Classification: Benign for Eichsfeld type congenital muscular dystrophy. Last evaluated: 2026-01-21. Review status: criteria provided, single submitter. Criteria: Invitae Variant Classification Sherloc (09022015). Collection method: clinical testing. Allele origin: germline.

CeGaT Center for Human Genetics Tuebingen
Classification: Likely benign. Last evaluated: 2023-12-01. Review status: criteria provided, single submitter. Criteria: CeGaT Center For Human Genetics Tuebingen Variant Classification Criteria Version 2. Collection method: clinical testing. Allele origin: germline. Affected: yes. Observed: 1 variant allele.
Comment: SELENON: BP4

GeneDx
Classification: Likely benign. Last evaluated: 2020-01-30. Review status: criteria provided, single submitter. Criteria: GeneDx Variant Classification Process June 2021. Collection method: clinical testing. Allele origin: germline. Affected: yes.

Athena Diagnostics
Classification: Likely benign. Last evaluated: 2017-12-21. Review status: criteria provided, single submitter. Criteria: Athena Diagnostics Criteria. Collection method: clinical testing. Allele origin: germline.

PreventionGenetics, part of Exact Sciences
Classification: Likely benign for SELENON-related condition. Last evaluated: 2019-07-19. Review status: no assertion criteria provided. Collection method: clinical testing. Allele origin: germline. Not counted in ClinVar's aggregate classification.
Comment: This variant is classified as likely benign based on ACMG/AMP sequence variant interpretation guidelines (Richards et al. 2015 PMID: 25741868, with internal and published modifications).